The following is an entry in ClinVar:

ClinVar aggregate classification (germline): Uncertain significance. Review status: criteria provided, multiple submitters, no conflicts (2 of 4 stars). 2 submissions from 2 submitters: Uncertain significance (2). Last evaluated 2024-05-24.

Conditions:
Norman-Roberts syndrome (LIS2). Also called: Lissencephaly 2 (Norman-Roberts type). Identifiers: Orphanet 89844, MedGen C0796089, MONDO:0009760, OMIM 257320.
Familial temporal lobe epilepsy 7. Identifiers: Orphanet 101046, MedGen C4225327, MONDO:0014639, OMIM 616436.
Inborn genetic diseases. Identifiers: MedGen C0950123, MeSH D030342.

Allele frequency attached by ClinVar (database versions not stated): TOPMed 0.00001.
gnomAD v4.1: 5 of 1,612,522 alleles (0.00031%); highest among the groups gnomAD compares: South Asian, 0.0011%; no homozygotes.

Submissions (2):

Ambry Genetics
Classification: Uncertain significance for Inborn genetic diseases. Last evaluated: 2024-05-24. Review status: criteria provided, single submitter. Criteria: Ambry Variant Classification Scheme 2023. Collection method: clinical testing. Allele origin: germline.

Labcorp Genetics (formerly Invitae), Labcorp
Classification: Uncertain significance for Familial temporal lobe epilepsy 7; Norman-Roberts syndrome. Last evaluated: 2024-01-15. Review status: criteria provided, single submitter. Criteria: Invitae Variant Classification Sherloc (09022015). Collection method: clinical testing. Allele origin: germline.
Comment: This sequence change replaces threonine, which is neutral and polar, with methionine, which is neutral and non-polar, at codon 582 of the RELN protein (p.Thr582Met). This variant is not present in population databases (gnomAD no frequency). This variant has not been reported in the literature in individuals affected with RELN-related conditions. ClinVar contains an entry for this variant (Variation ID: 948282). Advanced modeling of protein sequence and biophysical properties (such as structural, functional, and spatial information, amino acid conservation, physicochemical variation, residue mobility, and thermodynamic stability) performed at Invitae indicates that this missense variant is not expected to disrupt RELN protein function with a negative predictive value of 80%. In summary, the available evidence is currently insufficient to determine the role of this variant in disease. Therefore, it has been classified as a Variant of Uncertain Significance.

NM_005045.4(RELN):c.1745C>T (p.Thr582Met)

Gene: RELN (reelin; minus strand). Cytogenetic location: 7q22.1.
Variant type: single nucleotide variant.
Coding change: c.1745C>T on transcript NM_005045.4 (MANE Select); coding-DNA position 1745, C replaced by T.
Protein change: p.Thr582Met; replaces threonine 582 with methionine.
Molecular consequence: missense variant.
Genome position (GRCh38, 1-based): chr7:103,652,569, G>A on the plus strand (C>T on the coding strand, the complement: RELN is on the minus strand). VCF-style: chr7-103652569-G-A. GRCh37 (hg19) VCF-style: chr7-103293016-G-A.
Other names: c.1745C>T, p.Thr582Met (NM_173054.3); short protein forms T582M.
Identifiers: ClinVar variation 948282 (VCV000948282.10), dbSNP rs1038574999, ClinGen allele CA163941000.